The following is an entry in ClinVar:

ClinVar aggregate classification (germline): Uncertain significance (1 of 4 stars; one submission).

gnomAD v4.1: 15 of 1,611,130 alleles (0.00093%); highest among the groups gnomAD compares: East Asian, 0.0022%; no homozygotes.

Submission:

Labcorp Genetics (formerly Invitae), Labcorp
Classification: Uncertain significance. Last evaluated: 2026-01-26. Review status: criteria provided, single submitter. Criteria: Invitae Variant Classification Sherloc (09022015). Collection method: clinical testing. Allele origin: germline.
Comment: This sequence change falls in intron 12 of the MAP3K7 gene. It does not directly change the encoded amino acid sequence of the MAP3K7 protein. It affects a nucleotide within the consensus splice site. This variant is present in population databases (rs755890249, gnomAD 0.005%). This variant has not been reported in the literature in individuals affected with MAP3K7-related conditions. Variants that disrupt the consensus splice site are a relatively common cause of aberrant splicing (PMID: 17576681, 9536098). Algorithms developed to predict the effect of sequence changes on RNA splicing suggest that this variant is not likely to affect RNA splicing. In summary, the available evidence is currently insufficient to determine the role of this variant in disease. Therefore, it has been classified as a Variant of Uncertain Significance.

Literature cited by the submitters: PubMed 17576681; PubMed 9536098.

NM_145331.3(MAP3K7):c.1291+5C>T

Gene: MAP3K7 (mitogen-activated protein kinase kinase kinase 7; minus strand). Cytogenetic location: 6q15.
Variant type: single nucleotide variant.
Coding change: c.1291+5C>T on transcript NM_145331.3 (MANE Select); 5 bases into the intron after coding-DNA position 1291, C replaced by T.
Molecular consequence: intron variant.
Genome position (GRCh38, 1-based): chr6:90,544,547, G>A on the plus strand (C>T on the coding strand, the complement: MAP3K7 is on the minus strand). VCF-style: chr6-90544547-G-A. GRCh37 (hg19) VCF-style: chr6-91254266-G-A.
Other names: c.1210+2711C>T (NM_145333.3, NM_003188.4); c.1291+5C>T (NM_145332.3).
Identifiers: ClinVar variation 4740262 (VCV004740262.1).